The following is an entry in ClinVar:

NM_000440.3(PDE6A):c.1561del (p.Cys521fs)

Gene: PDE6A (phosphodiesterase 6A; minus strand). Cytogenetic location: 5q32.
Variant type: Deletion.
Coding change: c.1561del on transcript NM_000440.3 (MANE Select); coding-DNA position 1561, one base deleted (T; older notation c.1561delT).
Protein change: p.Cys521fs; shifts the reading frame from cysteine 521.
Molecular consequence: frameshift variant.
Genome position (GRCh38, 1-based): chr5:149,896,415, A deleted on the plus strand (T on the coding strand, the reverse complement: PDE6A is on the minus strand). VCF-style (leftmost placement, unchanged base first): chr5-149896414-CA-C. GRCh37 (hg19) VCF-style: chr5-149275977-CA-C.
Other names: short protein forms C521fs.
Identifiers: ClinVar variation 1070132 (VCV001070132.7), dbSNP rs2113586514, ClinGen allele CA2499217729.

ClinVar aggregate classification (germline): Pathogenic (1 of 4 stars; one submission).

Submission:

Labcorp Genetics (formerly Invitae), Labcorp
Classification: Pathogenic. Last evaluated: 2023-07-14. Review status: criteria provided, single submitter. Criteria: Invitae Variant Classification Sherloc (09022015). Collection method: clinical testing. Allele origin: germline.
Comment: This sequence change creates a premature translational stop signal (p.Cys521Valfs*29) in the PDE6A gene. It is expected to result in an absent or disrupted protein product. Loss-of-function variants in PDE6A are known to be pathogenic (PMID: 7493036, 22128245, 23847139). This variant is not present in population databases (gnomAD no frequency). This variant has not been reported in the literature in individuals affected with PDE6A-related conditions. ClinVar contains an entry for this variant (Variation ID: 1070132). For these reasons, this variant has been classified as Pathogenic.

Literature cited by the submitters: PubMed 7493036; PubMed 22128245; PubMed 23847139.